The following is an entry in ClinVar:

ClinVar aggregate classification (germline): Conflicting classifications of pathogenicity. Review status: criteria provided, conflicting classifications (1 of 4 stars). 4 submissions from 4 submitters: Uncertain significance (1); Likely benign (3). Last evaluated 2025-10-10.

Conditions:
STING-associated vasculopathy with onset in infancy. Also called: Sting-associated vasculopathy, infantile-onset. Identifiers: Orphanet 425120, MedGen C4014722, MONDO:0014405, OMIM 615934.
Inborn genetic diseases. Identifiers: MedGen C0950123, MeSH D030342.

Allele frequency attached by ClinVar (database versions not stated): gnomAD 0.00006 and 0.00009; TOPMed 0.00006; ESP Exome Variant Server 0.00008; gnomAD exomes 0.00009; ExAC 0.00010; 1000 Genomes Project 30x 0.00016; 1000 Genomes Project 0.00020.

Submissions (4):

Labcorp Genetics (formerly Invitae), Labcorp
Classification: Uncertain significance for STING-associated vasculopathy with onset in infancy. Last evaluated: 2025-10-10. Review status: criteria provided, single submitter. Criteria: Invitae Variant Classification Sherloc (09022015). Collection method: clinical testing. Allele origin: germline.
Comment: This sequence change replaces arginine, which is basic and polar, with glutamine, which is neutral and polar, at codon 331 of the TMEM173 protein (p.Arg331Gln). This variant is present in population databases (rs370524913, gnomAD 0.03%). This variant has not been reported in the literature in individuals affected with TMEM173-related conditions. ClinVar contains an entry for this variant (Variation ID: 955778). Invitae Evidence Modeling of protein sequence and biophysical properties (such as structural, functional, and spatial information, amino acid conservation, physicochemical variation, residue mobility, and thermodynamic stability) indicates that this missense variant is not expected to disrupt TMEM173 protein function with a negative predictive value of 80%. In summary, the available evidence is currently insufficient to determine the role of this variant in disease. Therefore, it has been classified as a Variant of Uncertain Significance.

Blueprint Genetics
Classification: Likely benign. Last evaluated: 2024-11-17. Review status: criteria provided, single submitter. Criteria: ACMG Guidelines, 2015. Collection method: clinical testing. Allele origin: germline.

Ambry Genetics
Classification: Likely benign for Inborn genetic diseases. Last evaluated: 2022-11-21. Review status: criteria provided, single submitter. Criteria: Ambry Variant Classification Scheme 2023. Collection method: clinical testing. Allele origin: germline.

CeGaT Center for Human Genetics Tuebingen
Classification: Likely benign. Last evaluated: 2022-03-01. Review status: criteria provided, single submitter. Criteria: CeGaT Center For Human Genetics Tuebingen Variant Classification Criteria Version 2. Collection method: clinical testing. Allele origin: germline. Affected: yes. Observed: 1 variant allele.
Comment: STING1: BP4, BS1

NM_198282.4(STING1):c.992G>A (p.Arg331Gln)

Gene: STING1 (stimulator of interferon response cGAMP interactor 1; minus strand). Cytogenetic location: 5q31.2.
Variant type: single nucleotide variant.
Coding change: c.992G>A on transcript NM_198282.4 (MANE Select); coding-DNA position 992, G replaced by A.
Protein change: p.Arg331Gln; replaces arginine 331 with glutamine.
Molecular consequence: missense variant.
Genome position (GRCh38, 1-based): chr5:139,476,409, C>T on the plus strand (G>A on the coding strand, the complement: STING1 is on the minus strand). VCF-style: chr5-139476409-C-T. GRCh37 (hg19) VCF-style: chr5-138855994-C-T.
Other names: c.992G>A (NM_198282.2); c.805G>A, p.Gly269Ser (NM_001301738.2); c.635G>A, p.Arg212Gln (NM_001367258.1); short protein forms R331Q, G269S, R212Q.
Identifiers: ClinVar variation 955778 (VCV000955778.34), dbSNP rs370524913, ClinGen allele CA3435254.
Genomic context (GRCh38, chr5:139,476,409, plus strand): 5'-ACCGCTGAGGTCTTCAAGCTGCCCACAGTAACCTCTTCCTTTTCCTCCTGCCGCAGGTGC[C>T]GGAGAACCTCCTGGGACAGCGAGAAGCTGCTGTCATCTGCAGGTTCTGGAACAGGGAGAT-3'
Protein context (NP_938023.1, residues 321-341): SSFSLSQEVL[Arg331Gln]HLRQEEKEEV